The following is an entry in ClinVar:

NM_001127464.1:c.9130G>A

Gene: ZNF469 (zinc finger protein 469; plus strand).
Variant type: single nucleotide variant.
Identifiers: ClinVar variation 4540230 (VCV004540230.1).

ClinVar aggregate classification (germline): Uncertain significance (1 of 4 stars; one submission).

Submission:

GeneDx
Classification: Uncertain significance. Last evaluated: 2025-06-23. Review status: criteria provided, single submitter. Criteria: GeneDx Variant Classification Process June 2021. Collection method: clinical testing. Allele origin: germline. Affected: yes.
Comment: In silico analysis suggests that this missense variant does not alter protein structure/function; Has not been previously published as pathogenic or benign to our knowledge